The following is an entry in ClinVar:

ClinVar aggregate classification (germline): Uncertain significance (1 of 4 stars; one submission).

Submission:

GeneDx
Classification: Uncertain significance. Last evaluated: 2025-03-17. Review status: criteria provided, single submitter. Criteria: GeneDx Variant Classification Process June 2021. Collection method: clinical testing. Allele origin: germline. Affected: yes.
Comment: Not observed at significant frequency in large population cohorts (gnomAD); In silico analysis indicates that this missense variant does not alter protein structure/function; Has not been previously published as pathogenic or benign to our knowledge

NM_002107.7(H3-3A):c.262G>A (p.Ala88Thr)

Gene: H3-3A (H3.3 histone A; plus strand). Cytogenetic location: 1q42.12.
Variant type: single nucleotide variant.
Coding change: c.262G>A on transcript NM_002107.7 (MANE Select); coding-DNA position 262, G replaced by A.
Protein change: p.Ala88Thr; replaces alanine 88 with threonine.
Molecular consequence: missense variant.
Genome position (GRCh38, 1-based): chr1:226,065,789, G>A. VCF-style: chr1-226065789-G-A. GRCh37 (hg19) VCF-style: chr1-226253490-G-A.
Other names: c.262G>A, p.Ala88Thr (NM_001379043.1, NM_001379045.1, NM_001379046.1 and 1 more transcripts); short protein forms A88T.
Identifiers: ClinVar variation 4086500 (VCV004086500.1).